The following is an entry in ClinVar:

ClinVar aggregate classification (germline): Uncertain significance. Review status: criteria provided, multiple submitters, no conflicts (2 of 4 stars). 2 submissions from 2 submitters: Uncertain significance (2). Last evaluated 2025-03-14.

Conditions:
Inborn genetic diseases. Identifiers: MedGen C0950123, MeSH D030342.
Combined immunodeficiency due to STK4 deficiency (IMD110). Also called: STK4 DEFICIENCY; MST1 DEFICIENCY; T-cell immunodeficiency, recurrent infections, and autoimmunity with or without cardiac malformations. Identifiers: Orphanet 314689, MedGen C3553943, MONDO:0013934, OMIM 614868.

Submissions (2):

Ambry Genetics
Classification: Uncertain significance for Inborn genetic diseases. Last evaluated: 2025-03-14. Review status: criteria provided, single submitter. Criteria: Ambry Variant Classification Scheme 2023. Collection method: clinical testing. Allele origin: germline.

Labcorp Genetics (formerly Invitae), Labcorp
Classification: Uncertain significance for Combined immunodeficiency due to STK4 deficiency. Last evaluated: 2021-10-28. Review status: criteria provided, single submitter. Criteria: Invitae Variant Classification Sherloc (09022015). Collection method: clinical testing. Allele origin: germline.
Comment: In summary, the available evidence is currently insufficient to determine the role of this variant in disease. Therefore, it has been classified as a Variant of Uncertain Significance. Advanced modeling of protein sequence and biophysical properties (such as structural, functional, and spatial information, amino acid conservation, physicochemical variation, residue mobility, and thermodynamic stability) performed at Invitae indicates that this missense variant is not expected to disrupt STK4 protein function. This variant has not been reported in the literature in individuals affected with STK4-related conditions. This variant is not present in population databases (gnomAD no frequency). This sequence change replaces glutamic acid, which is acidic and polar, with valine, which is neutral and non-polar, at codon 456 of the STK4 protein (p.Glu456Val).

NM_006282.5(STK4):c.1367A>T (p.Glu456Val)

Gene: STK4 (serine/threonine kinase 4; plus strand). Cytogenetic location: 20q13.12.
Variant type: single nucleotide variant.
Coding change: c.1367A>T on transcript NM_006282.5 (MANE Select); coding-DNA position 1367, A replaced by T.
Protein change: p.Glu456Val; replaces glutamic acid 456 with valine.
Molecular consequence: missense variant. On other transcripts: 3 prime UTR variant (1).
Genome position (GRCh38, 1-based): chr20:45,075,079, A>T. VCF-style: chr20-45075079-A-T. GRCh37 (hg19) VCF-style: chr20-43703720-A-T.
Other names: c.*73A>T (NM_001352385.2); c.1367A>T (NM_006282.2); short protein forms E456V.
Identifiers: ClinVar variation 1389929 (VCV001389929.7), dbSNP rs2145491507, ClinGen allele CA409129564.
Genomic context (GRCh38, chr20:45,075,079, plus strand): 5'-TTAAGAGTTGGACAGTGGAGGACCTTCAGAAGAGGCTCTTGGCCCTGGACCCCATGATGG[A>T]GCAGGAGATTGAAGAGATCCGGCAGAAGTACCAGTCCAAGCGGCAGCCCATCCTGGATGC-3'
Protein context (NP_006273.1, residues 446-466): KRLLALDPMM[Glu456Val]QEIEEIRQKY